The following is an entry in ClinVar:

NM_000051.4(ATM):c.2698A>G (p.Met900Val)

Gene: ATM (ATM serine/threonine kinase; plus strand). Cytogenetic location: 11q22.3.
Variant type: single nucleotide variant.
Coding change: c.2698A>G on transcript NM_000051.4 (MANE Select); coding-DNA position 2698, A replaced by G.
Protein change: p.Met900Val; replaces methionine 900 with valine.
Molecular consequence: missense variant.
Genome position (GRCh38, 1-based): chr11:108,268,469, A>G. VCF-style: chr11-108268469-A-G. GRCh37 (hg19) VCF-style: chr11-108139196-A-G.
Other names: c.2698A>G, p.Met900Val (NM_001351834.2); short protein forms M900V.
Identifiers: ClinVar variation 185598 (VCV000185598.30), dbSNP rs138468963, ClinGen allele CA192385.
Genomic context (GRCh38, chr11:108,268,469, plus strand): 5'-GGTGCCATTAATCCTTTAGCTGAAGAATATCTGTCAAAGCAAGATCTACTTTTCTTAGAC[A>G]TGCTCAAGTTCTTGTGTTTGTGTGTAACTACTGCTCAGACCAATACTGTGTCCTTTAGGG-3'
Protein context (NP_000042.3, residues 890-910): LSKQDLLFLD[Met900Val]LKFLCLCVTT

ClinVar aggregate classification (germline): Uncertain significance. Review status: criteria provided, multiple submitters, no conflicts (2 of 4 stars). 9 submissions from 9 submitters: Uncertain significance (8). 1 of the submissions does not count toward it. Last evaluated 2026-06-27.

Conditions:
ATM-related disorder. Also called: ATM-related disorders; ATM-related condition.
Hereditary cancer-predisposing syndrome. Also called: Neoplastic Syndromes, Hereditary; Tumor predisposition; Hereditary neoplastic syndrome; Hereditary Cancer Syndrome. Identifiers: Orphanet 140162, MedGen C0027672, MeSH D009386, MONDO:0015356.
Familial cancer of breast. Also called: Hereditary breast cancer; BREAST CANCER, FAMILIAL; hereditary breast carcinoma. Identifiers: Orphanet 227535, MedGen C0346153, MONDO:0016419, OMIM 114480. Disease mechanism: loss of function.
Ataxia-telangiectasia syndrome (AT). Also called: Cerebello-oculocutaneous telangiectasia; Immunodeficiency with ataxia telangiectasia; AT, COMPLEMENTATION GROUP C; LOUIS-BAR SYNDROME; Ataxia-telangiectasia, complementation group E; ATAXIA-TELANGIECTASIA, COMPLEMENTATION GROUP A. Identifiers: Orphanet 100, MedGen C0004135, MONDO:0008840, OMIM 208900.

Allele frequency attached by ClinVar (database versions not stated): gnomAD 0.00001; TOPMed 0.00001; ExAC 0.00002; gnomAD exomes 0.00002 and 0.00005; ESP Exome Variant Server 0.00008.
gnomAD v4.1: 67 of 1,613,962 alleles (0.0042%); highest among the groups gnomAD compares: Non-Finnish European, 0.0053%; no homozygotes.

Submissions (9):

PreventionGenetics, part of Exact Sciences
Classification: Uncertain significance for ATM-related condition. Last evaluated: 2026-06-27. Review status: criteria provided, single submitter. Criteria: ACMG Guidelines, 2015. Collection method: clinical testing. Allele origin: germline.
Comment: The ATM c.2698A>G variant is predicted to result in the amino acid substitution p.Met900Val. This variant has been identified in individuals with a personal and/or family history of breast and/or ovarian cancer (Shao et al. 2019. PubMed ID: 31742824; Chrysafi et al. 2023. PubMed ID: 38136308). This variant is reported in 0.0065% of alleles in individuals of South Asian descent in gnomAD and is interpreted as uncertain in ClinVar (Variation: 185598). At this time, the clinical significance of this variant is uncertain due to the absence of conclusive functional and genetic evidence.

Labcorp Genetics (formerly Invitae), Labcorp
Classification: Uncertain significance for Ataxia-telangiectasia syndrome. Last evaluated: 2025-12-12. Review status: criteria provided, single submitter. Criteria: Invitae Variant Classification Sherloc (09022015). Collection method: clinical testing. Allele origin: germline.
Comment: This sequence change replaces methionine, which is neutral and non-polar, with valine, which is neutral and non-polar, at codon 900 of the ATM protein (p.Met900Val). This variant is present in population databases (rs138468963, gnomAD 0.006%). This variant has not been reported in the literature in individuals affected with ATM-related conditions. ClinVar contains an entry for this variant (Variation ID: 185598). Invitae Evidence Modeling of protein sequence and biophysical properties (such as structural, functional, and spatial information, amino acid conservation, physicochemical variation, residue mobility, and thermodynamic stability) indicates that this missense variant is not expected to disrupt ATM protein function with a negative predictive value of 95%. In summary, the available evidence is currently insufficient to determine the role of this variant in disease. Therefore, it has been classified as a Variant of Uncertain Significance.

Quest Diagnostics Nichols Institute San Juan Capistrano
Classification: Uncertain significance. Last evaluated: 2025-07-23. Review status: criteria provided, single submitter. Criteria: Quest Diagnostics criteria. Collection method: clinical testing. Allele origin: unknown.

Ambry Genetics
Classification: Uncertain significance for Hereditary cancer-predisposing syndrome. Last evaluated: 2024-07-31. Review status: criteria provided, single submitter. Criteria: Ambry Variant Classification Scheme 2023. Collection method: clinical testing. Allele origin: germline.
Comment: The p.M900V variant (also known as c.2698A>G), located in coding exon 17 of the ATM gene, results from an A to G substitution at nucleotide position 2698. The methionine at codon 900 is replaced by valine, an amino acid with highly similar properties. This variant was identified in a cohort of 882 Chinese individuals with a personal and/or family history of breast or ovarian cancers who underwent multi-gene panel testing for HBOC risk assessment (Shao D et al. Cancer Sci, 2020 Feb;111:647-657). This amino acid position is well conserved in available vertebrate species. In addition, this alteration is predicted to be tolerated by in silico analysis. Based on the available evidence, the clinical significance of this variant remains unclear.

Blueprint Genetics
Classification: Uncertain significance. Last evaluated: 2024-07-01. Review status: criteria provided, single submitter. Criteria: ACMG Guidelines, 2015. Collection method: clinical testing. Allele origin: germline.

Color Diagnostics, LLC DBA Color Health
Classification: Uncertain significance for Hereditary cancer-predisposing syndrome. Last evaluated: 2024-05-21. Review status: criteria provided, single submitter. Criteria: ACMG Guidelines, 2015. Collection method: clinical testing. Allele origin: germline.
Comment: This missense variant replaces methionine with valine at codon 900 of the ATM protein. Computational prediction suggests that this variant may not impact protein structure and function. To our knowledge, functional studies have not been reported for this variant. This variant has been reported in an individual undergoing tested for hereditary breast and ovarian cancer (PMID: 38136308). This variant has been identified in 5/282788 chromosomes in the general population by the Genome Aggregation Database (gnomAD). The available evidence is insufficient to determine the role of this variant in disease conclusively. Therefore, this variant is classified as a Variant of Uncertain Significance.

GeneDx
Classification: Uncertain significance. Last evaluated: 2023-11-26. Review status: criteria provided, single submitter. Criteria: GeneDx Variant Classification Process June 2021. Collection method: clinical testing. Allele origin: germline. Affected: yes.
Comment: Not observed at significant frequency in large population cohorts (gnomAD); In silico analysis supports that this missense variant does not alter protein structure/function; Observed in individuals with a personal and/or family history suggestive of hereditary breast and ovarian cancer (PMID: 31742824); This variant is associated with the following publications: (PMID: 31742824)

Baylor Genetics
Classification: Uncertain significance for Familial cancer of breast. Last evaluated: 2023-07-07. Review status: criteria provided, single submitter. Criteria: ACMG Guidelines, 2015. Collection method: clinical testing. Allele origin: unknown.

Natera, Inc.
Classification: Uncertain significance for Ataxia-telangiectasia. Last evaluated: 2021-06-30. Review status: no assertion criteria provided. Collection method: clinical testing. Allele origin: germline. Not counted in ClinVar's aggregate classification.

Literature cited by the submitters: PubMed 31742824 (cited by Ambry Genetics); PubMed 38136308 (cited by Color Diagnostics, LLC DBA Color Health).